The following is an entry in ClinVar:

ClinVar aggregate classification (germline): Uncertain significance. Review status: criteria provided, multiple submitters, no conflicts (2 of 4 stars). 2 submissions from 2 submitters: Uncertain significance (2). Last evaluated 2025-08-29.

gnomAD v4.1: 5 of 1,598,454 alleles (0.00031%); highest among the groups gnomAD compares: Middle Eastern, 0.017%; no homozygotes.

Submissions (2):

Ambry Genetics
Classification: Uncertain significance. Last evaluated: 2025-08-29. Review status: criteria provided, single submitter. Criteria: Ambry Variant Classification Scheme 2023. Collection method: clinical testing. Allele origin: germline.

Labcorp Genetics (formerly Invitae), Labcorp
Classification: Uncertain significance. Last evaluated: 2025-07-17. Review status: criteria provided, single submitter. Criteria: Invitae Variant Classification Sherloc (09022015). Collection method: clinical testing. Allele origin: germline.
Comment: This sequence change replaces aspartic acid, which is acidic and polar, with valine, which is neutral and non-polar, at codon 418 of the POLE2 protein (p.Asp418Val). This variant is not present in population databases (gnomAD no frequency). This variant has not been reported in the literature in individuals affected with POLE2-related conditions. An algorithm developed to predict the effect of missense changes on protein structure and function (PolyPhen-2) suggests that this variant is likely to be disruptive. In summary, the available evidence is currently insufficient to determine the role of this variant in disease. Therefore, it has been classified as a Variant of Uncertain Significance.

NM_002692.4(POLE2):c.1253A>T (p.Asp418Val)

Gene: POLE2 (DNA polymerase epsilon 2, accessory subunit; minus strand). Cytogenetic location: 14q21.3.
Variant type: single nucleotide variant.
Coding change: c.1253A>T on transcript NM_002692.4 (MANE Select); coding-DNA position 1253, A replaced by T.
Protein change: p.Asp418Val; replaces aspartic acid 418 with valine.
Molecular consequence: missense variant.
Genome position (GRCh38, 1-based): chr14:49,651,336, T>A on the plus strand (A>T on the coding strand, the complement: POLE2 is on the minus strand). VCF-style: chr14-49651336-T-A. GRCh37 (hg19) VCF-style: chr14-50118054-T-A.
Other names: c.1175A>T, p.Asp392Val (NM_001197330.2); c.1253A>T, p.Asp418Val (NM_001197331.3); c.1250A>T, p.Asp417Val (NM_001348384.2); c.1022A>T, p.Asp341Val (NM_001348385.2); short protein forms D341V, D418V, D417V, D392V.
Identifiers: ClinVar variation 4141253 (VCV004141253.2).